The following is an entry in ClinVar:

NM_000051.4(ATM):c.4029T>A (p.Ile1343=)

Gene: ATM (ATM serine/threonine kinase; plus strand). Cytogenetic location: 11q22.3.
Variant type: single nucleotide variant.
Coding change: c.4029T>A on transcript NM_000051.4 (MANE Select); coding-DNA position 4029, T replaced by A.
Protein change: p.Ile1343=; no amino-acid change (isoleucine 1343 retained).
Molecular consequence: synonymous variant.
Genome position (GRCh38, 1-based): chr11:108,287,635, T>A. VCF-style: chr11-108287635-T-A. GRCh37 (hg19) VCF-style: chr11-108158362-T-A.
Other names: c.4029T>A, p.Ile1343= (NM_001351834.2).
Identifiers: ClinVar variation 3254121 (VCV003254121.1), dbSNP rs2135735847.

ClinVar aggregate classification (germline): Benign (1 of 4 stars; one submission).

Conditions:
Familial cancer of breast. Also called: BREAST CANCER, FAMILIAL; Hereditary breast cancer; hereditary breast carcinoma. Identifiers: Orphanet 227535, MedGen C0346153, MONDO:0016419, OMIM 114480. Disease mechanism: loss of function.

Submission:

Myriad Genetics, Inc.
Classification: Benign for Familial cancer of breast. Last evaluated: 2024-05-16. Review status: criteria provided, single submitter. Criteria: Myriad Autosomal Dominant, Autosomal Recessive and X-Linked Classification Criteria (2023). Collection method: clinical testing. Allele origin: unknown.
Comment: This variant is considered benign. This variant is a silent/synonymous amino acid change and it is not expected to impact splicing.